The following is an entry in ClinVar:

ClinVar aggregate classification (germline): Uncertain significance (1 of 4 stars; one submission).

Conditions:
Inborn genetic diseases. Identifiers: MedGen C0950123, MeSH D030342.

Submission:

Ambry Genetics
Classification: Uncertain significance for Inborn genetic diseases. Last evaluated: 2024-08-02. Review status: criteria provided, single submitter. Criteria: Ambry Variant Classification Scheme 2023. Collection method: clinical testing. Allele origin: germline.
Comment: The p.Y1736C variant (also known as c.5207A>G), located in coding exon 30 of the ATR gene, results from an A to G substitution at nucleotide position 5207. The tyrosine at codon 1736 is replaced by cysteine, an amino acid with highly dissimilar properties. This amino acid position is conserved. In addition, the in silico prediction for this alteration is inconclusive. Based on the available evidence, the clinical significance of this variant remains unclear.

NM_001184.4(ATR):c.5207A>G (p.Tyr1736Cys)

Gene: ATR (ATR serine/threonine kinase; minus strand). Cytogenetic location: 3q23.
Variant type: single nucleotide variant.
Coding change: c.5207A>G on transcript NM_001184.4 (MANE Select); coding-DNA position 5207, A replaced by G.
Protein change: p.Tyr1736Cys; replaces tyrosine 1736 with cysteine.
Molecular consequence: missense variant.
Genome position (GRCh38, 1-based): chr3:142,503,443, T>C on the plus strand (A>G on the coding strand, the complement: ATR is on the minus strand). VCF-style: chr3-142503443-T-C. GRCh37 (hg19) VCF-style: chr3-142222285-T-C.
Other names: c.5015A>G, p.Tyr1672Cys (NM_001354579.2); short protein forms Y1736C, Y1672C.
Identifiers: ClinVar variation 3462512 (VCV003462512.1).
Genomic context (GRCh38, chr3:142,503,443, plus strand): 5'-ACCTGAGTGATAACAGTAGACAGCTGACCAAGACCTAACATGGACTTTACTACACCATGA[T>C]AATGAATGATCTAGAAATTTAAAAATATTTAAAATAGCAATTATCACTTCAATAATAGCT-3'
Protein context (NP_001175.2, residues 1726-1746): IQLEPDQIIH[Tyr1736Cys]HGVVKSMLGL